The following is an entry in ClinVar:

ClinVar aggregate classification (germline): Uncertain significance (1 of 4 stars; one submission).

Conditions:
Brugada syndrome. Also called: Sudden Unexplained Death Syndrome; Sudden Unexplained Nocturnal Death Syndrome (SUNDS); Sudden unexpected nocturnal death syndrome; Sudden unexplained nocturnal death syndrome. Identifiers: Orphanet 130, MedGen C1142166, MONDO:0015263.

Submission:

Labcorp Genetics (formerly Invitae), Labcorp
Classification: Uncertain significance for Brugada syndrome. Last evaluated: 2025-08-18. Review status: criteria provided, single submitter. Criteria: Invitae Variant Classification Sherloc (09022015). Collection method: clinical testing. Allele origin: germline.
Comment: This sequence change replaces tyrosine, which is neutral and polar, with serine, which is neutral and polar, at codon 1374 of the SCN10A protein (p.Tyr1374Ser). This variant is not present in population databases (gnomAD no frequency). This variant has not been reported in the literature in individuals affected with SCN10A-related conditions. ClinVar contains an entry for this variant (Variation ID: 966532). Invitae Evidence Modeling of protein sequence and biophysical properties (such as structural, functional, and spatial information, amino acid conservation, physicochemical variation, residue mobility, and thermodynamic stability) indicates that this missense variant is not expected to disrupt SCN10A protein function with a negative predictive value of 80%. In summary, the available evidence is currently insufficient to determine the role of this variant in disease. Therefore, it has been classified as a Variant of Uncertain Significance.

NM_006514.4(SCN10A):c.4121A>C (p.Tyr1374Ser)

Gene: SCN10A (sodium voltage-gated channel alpha subunit 10; minus strand). Cytogenetic location: 3p22.2.
Variant type: single nucleotide variant.
Coding change: c.4121A>C on transcript NM_006514.4 (MANE Select); coding-DNA position 4121, A replaced by C.
Protein change: p.Tyr1374Ser; replaces tyrosine 1374 with serine.
Molecular consequence: missense variant.
Genome position (GRCh38, 1-based): chr3:38,710,866, T>G on the plus strand (A>C on the coding strand, the complement: SCN10A is on the minus strand). VCF-style: chr3-38710866-T-G. GRCh37 (hg19) VCF-style: chr3-38752357-T-G.
Other names: c.4118A>C, p.Tyr1373Ser (NM_001293306.2); c.3827A>C, p.Tyr1276Ser (NM_001293307.2); short protein forms Y1276S, Y1374S, Y1373S.
Identifiers: ClinVar variation 966532 (VCV000966532.7), dbSNP rs1160216765, ClinGen allele CA352150198.